The following is an entry in ClinVar:

NM_198428.3(BBS9):c.2027T>C (p.Ile676Thr)

Gene: BBS9 (Bardet-Biedl syndrome 9; plus strand). Cytogenetic location: 7p14.3.
Variant type: single nucleotide variant.
Coding change: c.2027T>C on transcript NM_198428.3 (MANE Select); coding-DNA position 2027, T replaced by C.
Protein change: p.Ile676Thr; replaces isoleucine 676 with threonine.
Molecular consequence: missense variant. On other transcripts: non-coding transcript variant (3).
Genome position (GRCh38, 1-based): chr7:33,388,056, T>C. VCF-style: chr7-33388056-T-C. GRCh37 (hg19) VCF-style: chr7-33427668-T-C.
Other names: c.2027T>C (NM_198428.2); c.2027T>C, p.Ile676Thr (NM_001362679.1, NM_001412128.2, NM_001412127.2 and 3 more transcripts); c.1556T>C, p.Ile519Thr (NM_001348044.3); c.1661T>C, p.Ile554Thr (NM_001348045.3, NM_001348046.3, NM_001348037.3); c.1922T>C, p.Ile641Thr (NM_001033604.2); c.2012T>C, p.Ile671Thr (NM_001033605.2); c.1754T>C, p.Ile585Thr (NM_001348038.3); c.1649T>C, p.Ile550Thr (NM_001348039.3); and 2 more; short protein forms I519T, I550T, I554T, I585T, I631T, I636T, I641T, I671T.
Identifiers: ClinVar variation 1715780 (VCV001715780.6), dbSNP rs2536369459, ClinGen allele CA367253812.

ClinVar aggregate classification (germline): Uncertain significance. Review status: criteria provided, multiple submitters, no conflicts (2 of 4 stars). 2 submissions from 2 submitters: Uncertain significance (2). Last evaluated 2025-08-12.

Conditions:
Inborn genetic diseases. Identifiers: MedGen C0950123, MeSH D030342.
Bardet-Biedl syndrome (BBS). Identifiers: Orphanet 110, MedGen C0752166, MONDO:0015229.

Submissions (2):

Ambry Genetics
Classification: Uncertain significance for Inborn genetic diseases. Last evaluated: 2025-08-12. Review status: criteria provided, single submitter. Criteria: Ambry Variant Classification Scheme 2023. Collection method: clinical testing. Allele origin: germline.

Labcorp Genetics (formerly Invitae), Labcorp
Classification: Uncertain significance for Bardet-Biedl syndrome. Last evaluated: 2022-08-09. Review status: criteria provided, single submitter. Criteria: Invitae Variant Classification Sherloc (09022015). Collection method: clinical testing. Allele origin: germline.
Comment: This sequence change replaces isoleucine, which is neutral and non-polar, with threonine, which is neutral and polar, at codon 676 of the BBS9 protein (p.Ile676Thr). This variant is not present in population databases (gnomAD no frequency). This variant has not been reported in the literature in individuals affected with BBS9-related conditions. Algorithms developed to predict the effect of missense changes on protein structure and function are either unavailable or do not agree on the potential impact of this missense change (SIFT: "Deleterious"; PolyPhen-2: "Possibly Damaging"; Align-GVGD: "Class C0"). In summary, the available evidence is currently insufficient to determine the role of this variant in disease. Therefore, it has been classified as a Variant of Uncertain Significance.